The following is an entry in ClinVar:

ClinVar aggregate classification (germline): Uncertain significance. Review status: criteria provided, multiple submitters, no conflicts (2 of 4 stars). 2 submissions from 2 submitters: Uncertain significance (2). Last evaluated 2025-11-09.

Conditions:
Hereditary cancer-predisposing syndrome. Also called: Neoplastic Syndromes, Hereditary; Hereditary neoplastic syndrome; Tumor predisposition; Hereditary Cancer Syndrome. Identifiers: Orphanet 140162, MedGen C0027672, MeSH D009386, MONDO:0015356.

Submissions (2):

Ambry Genetics
Classification: Uncertain significance for Hereditary cancer-predisposing syndrome. Last evaluated: 2025-11-09. Review status: criteria provided, single submitter. Criteria: Ambry Variant Classification Scheme 2023. Collection method: clinical testing. Allele origin: germline.
Comment: The p.I487F variant (also known as c.1459A>T), located in coding exon 10 of the FH gene, results from an A to T substitution at nucleotide position 1459. The isoleucine at codon 487 is replaced by phenylalanine, an amino acid with highly similar properties. This amino acid position is not well conserved in available vertebrate species. In addition, the in silico prediction for this alteration is inconclusive. Since supporting evidence is limited at this time, the clinical significance of this alteration remains unclear.

Labcorp Genetics (formerly Invitae), Labcorp
Classification: Uncertain significance. Last evaluated: 2024-09-24. Review status: criteria provided, single submitter. Criteria: Invitae Variant Classification Sherloc (09022015). Collection method: clinical testing. Allele origin: germline.
Comment: This sequence change replaces isoleucine, which is neutral and non-polar, with phenylalanine, which is neutral and non-polar, at codon 487 of the FH protein (p.Ile487Phe). This variant is not present in population databases (gnomAD no frequency). This variant has not been reported in the literature in individuals affected with FH-related conditions. ClinVar contains an entry for this variant (Variation ID: 2485477). Invitae Evidence Modeling of protein sequence and biophysical properties (such as structural, functional, and spatial information, amino acid conservation, physicochemical variation, residue mobility, and thermodynamic stability) indicates that this missense variant is expected to disrupt FH protein function with a positive predictive value of 80%. In summary, the available evidence is currently insufficient to determine the role of this variant in disease. Therefore, it has been classified as a Variant of Uncertain Significance.

NM_000143.4(FH):c.1459A>T (p.Ile487Phe)

Gene: FH (fumarate hydratase; minus strand). Cytogenetic location: 1q43.
Variant type: single nucleotide variant.
Coding change: c.1459A>T on transcript NM_000143.4 (MANE Select); coding-DNA position 1459, A replaced by T.
Protein change: p.Ile487Phe; replaces isoleucine 487 with phenylalanine.
Molecular consequence: missense variant.
Genome position (GRCh38, 1-based): chr1:241,497,902, T>A on the plus strand (A>T on the coding strand, the complement: FH is on the minus strand). VCF-style: chr1-241497902-T-A. GRCh37 (hg19) VCF-style: chr1-241661202-T-A.
Other names: short protein forms I487F.
Identifiers: ClinVar variation 2485477 (VCV002485477.5), dbSNP rs1391195810, ClinGen allele CA345450577.
Genomic context (GRCh38, chr1:241,497,902, plus strand): 5'-GCATGTCCTTAGGTTTTACCCATTCGTCAAACTGCTCTGCTGTGAGATAGCCAAGTTCGA[T>A]AGCAGTTTCCTTTAAGGTTGATCCATTTTTGTGTGCTGTCTTAGCAATCTTTGCTGCCTT-3'
Protein context (NP_000134.2, residues 477-497): KNGSTLKETA[Ile487Phe]ELGYLTAEQF